The following is an entry in ClinVar:

ClinVar aggregate classification (germline): Benign/Likely benign. Review status: criteria provided, multiple submitters, no conflicts (2 of 4 stars). 3 submissions from 3 submitters: Benign (1); Likely benign (2). Last evaluated 2025-01-08.

Conditions:
TMEM132E-related disorder. Also called: TMEM132E-related condition.

gnomAD v4.1: 226 of 1,604,626 alleles (0.014%); highest among the groups gnomAD compares: East Asian, 0.48%; 3 homozygotes.

Submissions (3):

PreventionGenetics, part of Exact Sciences
Classification: Likely benign for TMEM132E-related condition. Last evaluated: 2025-01-08. Review status: criteria provided, single submitter. Criteria: ACMG Guidelines, 2015. Collection method: clinical testing. Allele origin: germline.
Comment: This variant is classified as likely benign based on ACMG/AMP sequence variant interpretation guidelines (Richards et al. 2015 PMID: 25741868, with internal and published modifications).

Blueprint Genetics
Classification: Benign. Last evaluated: 2024-11-05. Review status: criteria provided, single submitter. Criteria: ACMG Guidelines, 2015. Collection method: clinical testing. Allele origin: germline.

Labcorp Genetics (formerly Invitae), Labcorp
Classification: Likely benign. Last evaluated: 2024-09-28. Review status: criteria provided, single submitter. Criteria: Invitae Variant Classification Sherloc (09022015). Collection method: clinical testing. Allele origin: germline.

NM_001304438.2(TMEM132E):c.3164C>G (p.Thr1055Arg)

Gene: TMEM132E (transmembrane protein 132E; plus strand). Cytogenetic location: 17q12.
Variant type: single nucleotide variant.
Coding change: c.3164C>G on transcript NM_001304438.2 (MANE Select); coding-DNA position 3164, C replaced by G.
Protein change: p.Thr1055Arg; replaces threonine 1055 with arginine.
Molecular consequence: missense variant.
Genome position (GRCh38, 1-based): chr17:34,638,171, C>G. VCF-style: chr17-34638171-C-G. GRCh37 (hg19) VCF-style: chr17-32965190-C-G.
Other names: c.3164C>G (NM_001304438.1); short protein forms T1055R.
Identifiers: ClinVar variation 3706103 (VCV003706103.4).